The following continues an entry in ClinVar:

NM_000051.4(ATM):c.8147T>C (p.Val2716Ala)

ClinVar aggregate classification (germline): Pathogenic/Likely pathogenic. Pathogenic (32); Likely pathogenic (12).

Submissions 9 to 23 of 53:

GeneKor MSA
Classification: Likely pathogenic for Hereditary cancer-predisposing syndrome. Last evaluated: 2025-05-15. Review status: criteria provided, single submitter. Criteria: ACMG Guidelines, 2015. Collection method: clinical testing. Allele origin: germline. Affected: no.
Comment: This is a single nucleotide substitution, replacing Valine with Alanine at codon 2716 of the ATM protein. The valine residue is highly conserved in the Catalytic domain of the protein. There is a moderate physiochemical difference between valine and alanine (Grantham Score:64). This variant is present in population databases (rs587782652). This alteration has been reported in several individuals affected with ataxia-telangiectasia (A-T) (PMID:16864838, 19535770), as well as in an individual with generalized dystonia (PMID:2557216), and an individual with breast cancer (PMID:26976419). Algorithms developed to predict the effect of missense changes on protein structure and function suggest that this variant is likely to be damaging on protein. Moreover, experimental studies have shown that this missense change reduces ATM kinase activity and increases radiosensitivity (PMID:11805335). The mutation database ClinVar contains entries for this variant (VCV000142700.92). For these reasons this variant has been classified as likely pathogenic.

Molecular Diagnostics Laboratory, Catalan Institute of Oncology
Classification: Pathogenic for Hereditary cancer-predisposing syndrome. Last evaluated: 2025-04-29. Review status: criteria provided, single submitter. Criteria: ClinGen ACMG Specifications ATM V1.1.0. Collection method: clinical testing. Allele origin: germline.
Comment: PS3_Moderate, PM3_VeryStrong, PP3 c.8147T>C, located in exon 55 of the ATM gene, is predicted to result in the substitution of Val by Ala at codon 2716, p.(Val2716Ala). This variant is found in 6/268214 alleles at a frequency of 0.002% in the gnomAD v2.1.1 database, non-cancer dataset. The SpliceAI algorithm predicts no significant impact on splicing and the REVEL meta-predictor score for this variant (0.905) suggests a deleterious effect on protein function (PP3). Functional studies have shown that this variant decreases ATM kinase activity, lowers ATM protein levels and increases radiosensitivity in a transfection model (PMID: 11805335) (PS3_Moderate). This variant has been reported in several heterozygous ataxia-telangiectasia (AT) probands (PMID: 16864838, 25957637) (PM3_VeryStrong). This variant has been reported in ClinVar (30x pathogenic, 10x likely pathogenic) and LOVD (21x pathogenic, 11x likely pathogenic, 1x uncertain significance). Based on currently available information, the variant c.8147T>C should be considered a pathogenic variant.

Laboratory of Genetics, Children's Clinical University Hospital Latvia
Classification: Pathogenic. Last evaluated: 2025-02-16. Review status: criteria provided, single submitter. Criteria: ACMG Guidelines, 2015. Collection method: clinical testing. Allele origin: germline. Affected: yes.

Revvity Omics, Revvity
Classification: Pathogenic for Ataxia-telangiectasia syndrome. Last evaluated: 2024-12-13. Review status: criteria provided, single submitter. Criteria: ACMG Guidelines, 2015. Collection method: clinical testing. Allele origin: germline.

Blueprint Genetics
Classification: Pathogenic for ATM-related disorders. Last evaluated: 2024-09-11. Review status: criteria provided, single submitter. Criteria: ACMG Guidelines, 2015. Collection method: clinical testing. Allele origin: germline. Affected: yes. Observed: 5 variant alleles.

Department of Human Genetics, Hannover Medical School
Classification: Pathogenic for Familial cancer of breast. Last evaluated: 2024-09-10. Review status: criteria provided, single submitter. Criteria: ACMG Guidelines, 2015. Collection method: clinical testing. Allele origin: germline. Inheritance: Autosomal dominant inheritance.

Molecular Pathology, Peter Maccallum Cancer Centre
Classification: Pathogenic for Ataxia-telangiectasia syndrome. Last evaluated: 2024-07-24. Review status: criteria provided, single submitter. Criteria: ACMG Guidelines, 2015. Collection method: clinical testing. Allele origin: germline. Inheritance: Autosomal recessive inheritance.

Institute for Clinical Genetics, University Hospital TU Dresden, University Hospital TU Dresden
Classification: Pathogenic for Familial cancer of breast. Last evaluated: 2024-07-09. Review status: criteria provided, single submitter. Criteria: ACMG Guidelines, 2015. Collection method: clinical testing. Allele origin: germline.
Comment: The missense variant in the ATM gene (NM_000051.4:c.8147T>C, p.(Val2716Ala)) leads to an amino acid substitution at position 2716 in the corresponding protein due to a base substitution at position 8147 of the cDNA. Bioinformatic prediction algorithms do not indicate a generally increased sensitivity of the gene to missense variants (Z-score 2.54, PMID: 27535533) and estimate the effect of the variant on protein function as deleterious (REVEL score 0.91, PMID: 27666373). An actual effect was confirmed by functional studies (PMID: 11805335, PMID: 19535770, PMID: 21965147). The variant has been classified 39 times in the ClinVar database as (probably) pathogenic in individuals with breast and ovarian cancer or ataxia-telangiectasia. In addition, it has often been found compound-heterozygous with another pathogenic variant in individuals with ataxia-telangiectasia (PMID: 30819809). The variant is known and classified in the HerediCaRe database (German Consortium for Familial Breast and Ovarian Cancer) as a pathogenic alteration by an expert panel. In the population database gnomAD v4.1.0, the variant is listed 44 times, 0 of which are homozygous. The variant is not listed in the FLOSSIES database (women over 70 years without tumors). According to current ACMG recommendations for variant evaluation (PMID 25741868) and other ClinGen specifications, the criteria PS3_SUP, PM3_VSTR and PP3 are fulfilled, resulting in an evaluation as a pathogenic variant (ACMG class 5).

Baylor Genetics
Classification: Pathogenic for Familial cancer of breast. Last evaluated: 2024-03-28. Review status: criteria provided, single submitter. Criteria: ACMG Guidelines, 2015. Collection method: clinical testing. Allele origin: unknown.

Mayo Clinic Laboratories, Mayo Clinic
Classification: Pathogenic. Last evaluated: 2024-03-08. Review status: criteria provided, single submitter. Criteria: ACMG Guidelines, 2015. Collection method: clinical testing. Allele origin: germline.

Color Diagnostics, LLC DBA Color Health
Classification: Pathogenic for Hereditary cancer-predisposing syndrome. Last evaluated: 2024-02-12. Review status: criteria provided, single submitter. Criteria: ACMG Guidelines, 2015. Collection method: clinical testing. Allele origin: germline.
Comment: This missense variant replaces valine with alanine at codon 2716 of the kinase domain of ATM protein. Computational prediction tool suggests that this variant may have deleterious impact on protein structure and function. A functional study has shown that the variant results in the loss of ATM kinase activity and increased radiosensitivity (PMID: 11805335). This variant has been reported in many individuals affected with breast cancer (PMID: 26681312, 26976419, 32854451, 33471991). In a large international case-control study, this variant was reported in 16/60466 breast cancer cases and 6/53461 controls (OR=2.358, 95%CI 0.923 to 6.027, p-value=0.086; PMID: 33471991). This variant has been reported in individuals affected with classic ataxia telangiectasia (PMID: 31050087) and atypical, late-onset ataxia telangiectasia (PMID: 25957637, 16864838, 21354641, 19535770, 21965147, 30819809). This variant has been identified in 9/282750 chromosomes in the general population by the Genome Aggregation Database (gnomAD). Based on the available evidence, this variant is classified as Pathogenic.

Laboratory of Medical Genetics, National & Kapodistrian University of Athens
Classification: Pathogenic for Ataxia-telangiectasia syndrome. Last evaluated: 2024-02-01. Review status: criteria provided, single submitter. Criteria: ACMG Guidelines, 2015. Collection method: curation. Allele origin: germline. Affected: no.

Fulgent Genetics
Classification: Pathogenic for Familial cancer of breast; Ataxia-telangiectasia syndrome. Last evaluated: 2024-01-12. Review status: criteria provided, single submitter. Criteria: ACMG Guidelines, 2015. Collection method: clinical testing. Allele origin: germline.

KCCC/NGS Laboratory, Kuwait Cancer Control Center
Classification: Pathogenic for Ataxia-telangiectasia syndrome. Last evaluated: 2023-05-31. Review status: criteria provided, single submitter. Criteria: ACMG Guidelines, 2015. Collection method: clinical testing. Allele origin: germline. Inheritance: Autosomal recessive inheritance. Affected: yes. Observed: 1 homozygote.
Comment: This variant is present in population databases (rs587782652, gnomAD 0.005%).This amino acid position is highly conserved. This missense change has been observed in individual(s) with ataxia-telangiectasia (A-T), generalized dystonia, breast cancer, and dystonia (PMID: 2557216, 16864838, 19535770, 21354641, 21965147, 25957637, 26976419) and others . ClinVar contains an entry for this variant (Variation ID: 142700) classified as Pathogenic/Likely pathogenic by multiples submitters . In silico analysis supports that this missense variant has a deleterious effect on protein structure/function (SIFT, PolyPhen-2, Align-GVGD) all suggest that this variant is likely to be disruptive. Experimental studies have shown that this missense change affects ATM function (PMID: 11805335). For these reasons, this variant has been classified as Pathogenic. Homozygous or compound pathogenic/likely pathogenic mutations in the ATM gene are known to cause Ataxia- Telangiectasia. Heterozygous pathogenic/likely pathogenic mutations in the ATM gene are associated with increased risk of certain cancers.

Institute for Genomic Medicine (IGM) Clinical Laboratory, Nationwide Children's Hospital
Classification: Likely pathogenic for ATM-related cancer predisposition. Last evaluated: 2023-03-14. Review status: criteria provided, single submitter. Criteria: ACMG Guidelines, 2015. Collection method: clinical testing. Allele origin: germline.
Comment: Well-established functional studies have demonstrated this variant to have a damaging effect on protein function or splicing (ACMG/AMP: PS3; PMIDs:16864838, 19535770, 21965147, 11805335). This variant is absent from or present at an exceedingly low frequency in gnomAD, a large-scale control population database (ACMG/AMP: PM2). This variant is predicted to alter protein function or structure, or disrupt splicing by multiple in silico tools (ACMG/AMP: PP3).